The following is an entry in ClinVar:

ClinVar aggregate classification (germline): Likely pathogenic (1 of 4 stars; one submission).

Conditions:
Adams-Oliver syndrome 5 (AOS5). Identifiers: Orphanet 974, MedGen C4014970, MONDO:0014459, OMIM 616028.

gnomAD v4.1: 1 of 1,607,676 alleles (0.000062%); no homozygotes.

Submission:

Labcorp Genetics (formerly Invitae), Labcorp
Classification: Likely pathogenic for Adams-Oliver syndrome 5. Last evaluated: 2023-01-20. Review status: criteria provided, single submitter. Criteria: Invitae Variant Classification Sherloc (09022015). Collection method: clinical testing. Allele origin: germline.
Comment: In summary, the currently available evidence indicates that the variant is pathogenic, but additional data are needed to prove that conclusively. Therefore, this variant has been classified as Likely Pathogenic. Algorithms developed to predict the effect of sequence changes on RNA splicing suggest that this variant may disrupt the consensus splice site. This variant has not been reported in the literature in individuals affected with NOTCH1-related conditions. This variant is not present in population databases (gnomAD no frequency). This sequence change affects an acceptor splice site in intron 25 of the NOTCH1 gene. It is expected to disrupt RNA splicing. Variants that disrupt the donor or acceptor splice site typically lead to a loss of protein function (PMID: 16199547), and loss-of-function variants in NOTCH1 are known to be pathogenic (PMID: 16025100, 21457232, 25132448, 25963545).

Literature cited by the submitters: PubMed 16199547; PubMed 16025100; PubMed 21457232; PubMed 25132448; PubMed 25963545.

NM_017617.5(NOTCH1):c.4587-1G>T

Gene: NOTCH1 (notch receptor 1; minus strand). Cytogenetic location: 9q34.3.
Variant type: single nucleotide variant.
Coding change: c.4587-1G>T on transcript NM_017617.5 (MANE Select); the canonical splice acceptor site of the intron before coding-DNA position 4587, G replaced by T.
Molecular consequence: splice acceptor variant.
Genome position (GRCh38, 1-based): chr9:136,505,105, C>A on the plus strand (G>T on the coding strand, the complement: NOTCH1 is on the minus strand). VCF-style: chr9-136505105-C-A. GRCh37 (hg19) VCF-style: chr9-139399557-C-A.
Identifiers: ClinVar variation 2802804 (VCV002802804.3), dbSNP rs2133337914, ClinGen allele CA375646122.